The following is an entry in ClinVar:

ClinVar aggregate classification (germline): Uncertain significance (1 of 4 stars; one submission).

gnomAD v4.1: 40 of 1,613,992 alleles (0.0025%); highest among the groups gnomAD compares: Middle Eastern, 0.016%; no homozygotes.

Submission:

ARUP Laboratories, Molecular Genetics and Genomics, ARUP Laboratories
Classification: Uncertain significance. Last evaluated: 2024-11-14. Review status: criteria provided, single submitter. Criteria: ARUP Molecular Germline Variant Investigation Process 2024. Collection method: clinical testing. Allele origin: germline.
Comment: The SPTB c.5770C>T; p.Arg1924Trp variant (rs764617663) is reported in the literature in one individual affected with hemolytic anemia (Jamwal 2020). This variant is found in the general population with an overall allele frequency of 0.004% (13/281,622 alleles) in the Genome Aggregation Database (v2.1.1). Computational analyses are uncertain whether this variant is neutral or deleterious (REVEL: 0.458). Due to limited information, the clinical significance of this variant is uncertain at this time. References: Jamwal M et al. Next-Generation Sequencing-Based Diagnosis of Unexplained Inherited Hemolytic Anemias Reveals Wide Genetic and Phenotypic Heterogeneity. J Mol Diagn. 2020 Apr;22(4):579-590. PMID: 32036089.

NM_001355436.2(SPTB):c.5770C>T (p.Arg1924Trp)

Gene: SPTB (spectrin beta, erythrocytic; minus strand). Cytogenetic location: 14q23.3.
Variant type: single nucleotide variant.
Coding change: c.5770C>T on transcript NM_001355436.2 (MANE Select); coding-DNA position 5770, C replaced by T.
Protein change: p.Arg1924Trp; replaces arginine 1924 with tryptophan.
Molecular consequence: missense variant.
Genome position (GRCh38, 1-based): chr14:64,770,913, G>A on the plus strand (C>T on the coding strand, the complement: SPTB is on the minus strand). VCF-style: chr14-64770913-G-A. GRCh37 (hg19) VCF-style: chr14-65237631-G-A.
Other names: c.5770C>T, p.Arg1924Trp (NM_001024858.4, NM_001355437.2); short protein forms R1924W.
Identifiers: ClinVar variation 3766990 (VCV003766990.1).
Genomic context (GRCh38, chr14:64,770,913, plus strand): 5'-AGCTGCCTCTGCCTCAAGGACACTCCCCTCACCTGGGCCTCTCCTGGGTCTCGATCTGCC[G>A]GATGATGCTCTCCATCCAGGAGAGGAGGTCACGGGCCATGCTGAAGAAGCGGAATTTATC-3'
Protein context (NP_001342365.1, residues 1914-1934): DLLSWMESII[Arg1924Trp]QIETQERPRD